The following is an entry in ClinVar:

NM_000127.3(EXT1):c.115del (p.Glu39fs)

Gene: EXT1 (exostosin glycosyltransferase 1; minus strand). Cytogenetic location: 8q24.11.
Variant type: Deletion.
Coding change: c.115del on transcript NM_000127.3 (MANE Select); coding-DNA position 115, one base deleted (G; older notation c.115delG).
Protein change: p.Glu39fs; shifts the reading frame from glutamic acid 39.
Molecular consequence: frameshift variant.
Genome position (GRCh38, 1-based): chr8:118,110,932, C deleted on the plus strand (G on the coding strand, the reverse complement: EXT1 is on the minus strand). VCF-style (leftmost placement, unchanged base first): chr8-118110931-TC-T. GRCh37 (hg19) VCF-style: chr8-119123170-TC-T.
Other names: c.115del (NM_000127.2); short protein forms E39fs.
Identifiers: ClinVar variation 817043 (VCV000817043.10), dbSNP rs1586280217, ClinGen allele CA915948675.

ClinVar aggregate classification (germline): Pathogenic. Review status: criteria provided, multiple submitters, no conflicts (2 of 4 stars). 2 submissions from 2 submitters: Pathogenic (2). Last evaluated 2019-06-16.

Conditions:
Multiple congenital exostosis (EXT). Also called: Hereditary multiple osteochondromas; Multiple osteochondromas; Hereditary multiple exostoses; Hereditary multiple exostosis; MULTIPLE CARTILAGINOUS EXOSTOSES; Multiple exostoses. Identifiers: Orphanet 321, MedGen C0015306, MONDO:0005508, HP:0002762.

Submissions (2):

Labcorp Genetics (formerly Invitae), Labcorp
Classification: Pathogenic for Multiple congenital exostosis. Last evaluated: 2019-06-16. Review status: criteria provided, single submitter. Criteria: Invitae Variant Classification Sherloc (09022015). Collection method: clinical testing. Allele origin: germline.
Comment: This variant is not present in population databases (ExAC no frequency). For these reasons, this variant has been classified as Pathogenic. Loss-of-function variants in EXT1 are known to be pathogenic (PMID: 10679937, 11391482, 19810120). This variant has been observed in individuals affected with multiple osteochondromas (PMID: 18373409, Invitae). This sequence change creates a premature translational stop signal (p.Glu39Asnfs*97) in the EXT1 gene. It is expected to result in an absent or disrupted protein product.

GeneDx
Classification: Pathogenic. Last evaluated: 2018-07-03. Review status: criteria provided, single submitter. Criteria: GeneDx Variant Classification (06012015). Collection method: clinical testing. Allele origin: germline. Affected: yes.
Comment: The c.115delG variant in the EXT1 gene has been reported previously in association with multiple osteochondromas (Leube et al., 2008). The c.115delG variant is not observed in large population cohorts (Lek et al., 2016). The deletion causes a frameshift starting with codon Glutamic acid 39, changes this amino acid to an Asparagine residue and creates a premature Stop codon at position 97 of the new reading frame, denoted p.Glu39AsnfsX97. This variant is predicted to cause loss of normal protein function either through protein truncation or nonsense-mediated mRNA decay. We classify this variant as pathogenic.

Literature cited by the submitters: PubMed 10679937 (cited by Labcorp Genetics (formerly Invitae), Labcorp); PubMed 11391482 (cited by Labcorp Genetics (formerly Invitae), Labcorp); PubMed 19810120 (cited by Labcorp Genetics (formerly Invitae), Labcorp); PubMed 18373409 (cited by Labcorp Genetics (formerly Invitae), Labcorp).